The following is an entry in ClinVar:

NM_000540.3(RYR1):c.4061A>C (p.Glu1354Ala)

Gene: RYR1 (ryanodine receptor 1; plus strand). Cytogenetic location: 19q13.2.
Variant type: single nucleotide variant.
Coding change: c.4061A>C on transcript NM_000540.3 (MANE Select); coding-DNA position 4061, A replaced by C.
Protein change: p.Glu1354Ala; replaces glutamic acid 1354 with alanine.
Molecular consequence: missense variant.
Genome position (GRCh38, 1-based): chr19:38,473,672, A>C. VCF-style: chr19-38473672-A-C. GRCh37 (hg19) VCF-style: chr19-38964312-A-C.
Other names: c.4061A>C, p.Glu1354Ala (NM_001042723.2); short protein forms E1354A.
Identifiers: ClinVar variation 891141 (VCV000891141.5), dbSNP rs1458779012, ClinGen allele CA405642871.

ClinVar aggregate classification (germline): Uncertain significance. Review status: criteria provided, multiple submitters, no conflicts (2 of 4 stars). 4 submissions from 2 submitters: Uncertain significance (4). Last evaluated 2023-08-28.

Conditions:
Malignant hyperthermia, susceptibility to, 1 (MHS1). Also called: Anesthesia related hyperthermia; Malignant hyperpyrexia; Fulminating hyperpyrexia; Pharmacogenic myopathy; RYR1-Related Malignant Hyperthermia Susceptibility; Malignant hyperthermia suceptibility 1. Identifiers: Orphanet 423, MedGen C2930980, MONDO:0007783, OMIM 145600.
Congenital multicore myopathy with external ophthalmoplegia (CMYO1B). Also called: MULTICORE MYOPATHY; Minicore myopathy with external ophthalmoplegia; Congenital myopathy 1B, autosomal recessive; Minicore myopathy; MULTIMINICORE DISEASE WITH EXTERNAL OPHTHALMOPLEGIA. Identifiers: Orphanet 598, Orphanet 98905, MedGen C1850674, MONDO:0009712, OMIM 255320, HP:0003789.
Central core myopathy (CMYO1A). Also called: CONGENITAL MYOPATHY 1A, AUTOSOMAL DOMINANT, WITH SUSCEPTIBILITY TO MALIGNANT HYPERTHERMIA; Central core disease; Myopathy, central fibrillar. Identifiers: Orphanet 597, MedGen C5830701, MONDO:0007294, OMIM 117000.

Allele frequency attached by ClinVar (database versions not stated): gnomAD exomes 0.00001.
gnomAD v4.1: 15 of 1,551,764 alleles (0.00097%); highest among the groups gnomAD compares: Non-Finnish European, 0.0013%; no homozygotes.

Submissions (4):

All of Us Research Program, National Institutes of Health
Classification: Uncertain significance for Malignant hyperthermia, susceptibility to, 1. Last evaluated: 2023-08-28. Review status: criteria provided, single submitter. Criteria: ACMG Guidelines, 2015. Collection method: clinical testing. Allele origin: germline. Inheritance: Autosomal dominant inheritance. Observed: 1 variant allele, 1 heterozygote.
Comment: This missense variant replaces glutamic acid with alanine at codon 1354 of the RYR1 protein. Computational prediction suggests that this variant may not impact protein structure and function (internally defined REVEL score threshold <= 0.5, PMID: 27666373). To our knowledge, functional studies have not been reported for this variant. This variant has not been reported in individuals affected with RYR1-related disorders in the literature. This variant has been identified in 2/146552 chromosomes in the general population by the Genome Aggregation Database (gnomAD). The available evidence is insufficient to determine the role of this variant in disease conclusively. Therefore, this variant is classified as a Variant of Uncertain Significance.

This study involves interpretation of variants in research participants for the purpose of population health screening. Participant phenotype was not available at the time of variant classification. Additional details can be found in publication PMID: 35346344, PMCID: PMC8962531

Illumina Laboratory Services, Illumina
Classification: Uncertain significance for Central core myopathy. Last evaluated: 2018-01-13. Review status: criteria provided, single submitter. Criteria: ICSL Variant Classification Criteria 13 December 2019. Collection method: clinical testing. Allele origin: germline.

Illumina Laboratory Services, Illumina
Classification: Uncertain significance for Malignant hyperthermia, susceptibility to, 1. Last evaluated: 2018-01-13. Review status: criteria provided, single submitter. Criteria: ICSL Variant Classification Criteria 13 December 2019. Collection method: clinical testing. Allele origin: germline.

Illumina Laboratory Services, Illumina
Classification: Uncertain significance for Congenital multicore myopathy with external ophthalmoplegia. Last evaluated: 2018-01-13. Review status: criteria provided, single submitter. Criteria: ICSL Variant Classification Criteria 13 December 2019. Collection method: clinical testing. Allele origin: germline.